The following is an entry in ClinVar:

NM_001042492.3(NF1):c.6059C>T (p.Thr2020Ile)

Gene: NF1 (neurofibromin 1; plus strand). Cytogenetic location: 17q11.2.
Variant type: single nucleotide variant.
Coding change: c.6059C>T on transcript NM_001042492.3 (MANE Select); coding-DNA position 6059, C replaced by T.
Protein change: p.Thr2020Ile; replaces threonine 2020 with isoleucine.
Molecular consequence: missense variant.
Genome position (GRCh38, 1-based): chr17:31,336,385, C>T. VCF-style: chr17-31336385-C-T. GRCh37 (hg19) VCF-style: chr17-29663403-C-T.
Other names: c.5996C>T, p.Thr1999Ile (NM_000267.4); short protein forms T1999I, T2020I.
Identifiers: ClinVar variation 3237856 (VCV003237856.1), dbSNP rs2151553304.

ClinVar aggregate classification (germline): Uncertain significance (1 of 4 stars; one submission).

Conditions:
Hereditary cancer-predisposing syndrome. Also called: Neoplastic Syndromes, Hereditary; Tumor predisposition; Hereditary neoplastic syndrome; Hereditary Cancer Syndrome. Identifiers: Orphanet 140162, MedGen C0027672, MeSH D009386, MONDO:0015356.
Cardiovascular phenotype. Identifiers: MedGen CN230736.

Submission:

Ambry Genetics
Classification: Uncertain significance for Cardiovascular phenotype; Hereditary cancer-predisposing syndrome. Last evaluated: 2024-03-14. Review status: criteria provided, single submitter. Criteria: Ambry Variant Classification Scheme 2023. Collection method: clinical testing. Allele origin: germline.
Comment: The p.T1999I variant (also known as c.5996C>T), located in coding exon 40 of the NF1 gene, results from a C to T substitution at nucleotide position 5996. The threonine at codon 1999 is replaced by isoleucine, an amino acid with similar properties. This amino acid position is highly conserved in available vertebrate species. In addition, this alteration is predicted to be deleterious by in silico analysis. Based on the available evidence, the clinical significance of this alteration remains unclear.